The following is an entry in ClinVar:

NM_022455.5(NSD1):c.5184T>A (p.Ala1728=)

Gene: NSD1 (nuclear receptor binding SET domain protein 1; plus strand). Cytogenetic location: 5q35.3.
Variant type: single nucleotide variant.
Coding change: c.5184T>A on transcript NM_022455.5 (MANE Select); coding-DNA position 5184, T replaced by A.
Protein change: p.Ala1728=; no amino-acid change (alanine 1728 retained).
Molecular consequence: synonymous variant.
Genome position (GRCh38, 1-based): chr5:177,267,599, T>A. VCF-style: chr5-177267599-T-A. GRCh37 (hg19) VCF-style: chr5-176694600-T-A.
Other names: c.4311T>A, p.Ala1437= (NM_001365684.2, NM_001409308.1, NM_001409309.1 and 1 more transcripts); c.5184T>A, p.Ala1728= (NM_001409301.1, NM_001409302.1, NM_001409303.1); c.4764T>A, p.Ala1588= (NM_001409304.1); c.4431T>A, p.Ala1477= (NM_001409305.1); c.4422T>A, p.Ala1474= (NM_001409306.1, NM_001409307.1).
Identifiers: ClinVar variation 3346650 (VCV003346650.4).

ClinVar aggregate classification (germline): Likely benign. Review status: criteria provided, multiple submitters, no conflicts (2 of 4 stars). 3 submissions from 3 submitters: Likely benign (2). 1 of the submissions does not count toward it. Last evaluated 2024-03-07.

Conditions:
NSD1-related disorder. Also called: NSD1-related condition.

gnomAD v4.1: 9 of 1,614,174 alleles (0.00056%); highest among the groups gnomAD compares: Non-Finnish European, 0.00076%; no homozygotes.

Submissions (3):

Labcorp Genetics (formerly Invitae), Labcorp
Classification: Likely benign. Last evaluated: 2024-03-07. Review status: criteria provided, single submitter. Criteria: Invitae Variant Classification Sherloc (09022015). Collection method: clinical testing. Allele origin: germline.

Blueprint Genetics
Classification: Likely benign. Last evaluated: 2023-12-04. Review status: criteria provided, single submitter. Criteria: ACMG Guidelines, 2015. Collection method: clinical testing. Allele origin: germline.

PreventionGenetics, part of Exact Sciences
Classification: Likely benign for NSD1-related condition. Last evaluated: 2024-09-12. Review status: no assertion criteria provided. Collection method: clinical testing. Allele origin: germline. Not counted in ClinVar's aggregate classification.
Comment: This variant is classified as likely benign based on ACMG/AMP sequence variant interpretation guidelines (Richards et al. 2015 PMID: 25741868, with internal and published modifications).